The following is an entry in ClinVar:

ClinVar aggregate classification (germline): Conflicting classifications of pathogenicity. Review status: criteria provided, conflicting classifications (1 of 4 stars). 7 submissions from 7 submitters: Uncertain significance (6); Likely benign (1). Last evaluated 2026-01-25.

Conditions:
Hereditary breast ovarian cancer syndrome. Also called: Hereditary breast and ovarian cancer; Hereditary breast and ovarian cancer syndrome (HBOC); Hereditary breast and ovarian cancer syndrome; Breast and ovarian cancer; BRCA1- and BRCA2-Associated Hereditary Breast and Ovarian Cancer; Hereditary breast and/or ovarian cancer syndrome. Identifiers: Orphanet 145, MedGen C0677776, MeSH D061325, MONDO:0003582. Disease mechanism: loss of function.
Hereditary cancer-predisposing syndrome. Also called: Tumor predisposition; Hereditary neoplastic syndrome; Neoplastic Syndromes, Hereditary; Hereditary Cancer Syndrome. Identifiers: Orphanet 140162, MedGen C0027672, MeSH D009386, MONDO:0015356.
Breast-ovarian cancer, familial, susceptibility to, 2 (BROVCA2). Also called: BRCA2 Hereditary Breast and Ovarian Cancer. Identifiers: Orphanet 145, MedGen C2675520, MONDO:0012933, OMIM 612555. Disease mechanism: loss of function.

Allele frequency attached by ClinVar (database versions not stated): gnomAD 0.00001.

Submissions (7):

Labcorp Genetics (formerly Invitae), Labcorp
Classification: Uncertain significance for Hereditary breast ovarian cancer syndrome. Last evaluated: 2026-01-25. Review status: criteria provided, single submitter. Criteria: Invitae Variant Classification Sherloc (09022015). Collection method: clinical testing. Allele origin: germline.
Comment: This sequence change replaces cysteine, which is neutral and slightly polar, with tyrosine, which is neutral and polar, at codon 341 of the BRCA2 protein (p.Cys341Tyr). This variant is not present in population databases (gnomAD no frequency). This missense change has been observed in individual(s) with a personal or family history of breast and/or ovarian cancer (PMID: 24010542). ClinVar contains an entry for this variant (Variation ID: 483059). Invitae Evidence Modeling of protein sequence and biophysical properties (such as structural, functional, and spatial information, amino acid conservation, physicochemical variation, residue mobility, and thermodynamic stability) indicates that this missense variant is not expected to disrupt BRCA2 protein function with a negative predictive value of 95%. In summary, the available evidence is currently insufficient to determine the role of this variant in disease. Therefore, it has been classified as a Variant of Uncertain Significance.

Dasa
Classification: Uncertain significance for Breast-ovarian cancer, familial, susceptibility to, 2. Last evaluated: 2025-11-25. Review status: criteria provided, single submitter. Criteria: DASA Assertion Criteria. Collection method: clinical testing. Allele origin: germline.
Comment: NM_000059.4(BRCA2):c.1022G>A (p.Cys341Tyr) is a missense variant that results in the substitution of cysteine with tyrosine. This variant is rare in population databases. The currently available literature and clinical evidence are not sufficient to establish a definitive association between this variant and the reported condition. Therefore, this variant is classified as a variant of uncertain significance.

Ambry Genetics
Classification: Uncertain significance for Hereditary cancer-predisposing syndrome. Last evaluated: 2025-09-27. Review status: criteria provided, single submitter. Criteria: Ambry Variant Classification Scheme 2023. Collection method: clinical testing. Allele origin: germline.
Comment: The p.C341Y variant (also known as c.1022G>A), located in coding exon 9 of the BRCA2 gene, results from a G to A substitution at nucleotide position 1022. The cysteine at codon 341 is replaced by tyrosine, an amino acid with highly dissimilar properties. This alteration has been reported in a Greek breast and/or ovarian cancer family (Konstantopoulou I et al. Clin Genet, 2014 Jan;85:36-42). This amino acid position is not well conserved in available vertebrate species. In addition, this alteration is predicted to be tolerated by in silico analysis. Since supporting evidence is limited at this time, the clinical significance of this alteration remains unclear.

Quest Diagnostics Nichols Institute San Juan Capistrano
Classification: Uncertain significance. Last evaluated: 2023-10-27. Review status: criteria provided, single submitter. Criteria: Quest Diagnostics criteria. Collection method: clinical testing. Allele origin: unknown.
Comment: The BRCA2 c.1022G>A (p.Cys341Tyr) variant has been reported in the published literature in a family with breast cancer (PMID: 24010542 (2014)). The variant is described to be located in a region of the BRCA2 gene that is tolerant to missense sequence changes (PMID: 31911673 (2020)). The frequency of this variant in the general population, 0.0000066 (1/152202 chromosomes (Genome Aggregation Database)), is uninformative in the assessment of its pathogenicity. Analysis of this variant using bioinformatics tools for the prediction of the effect of amino acid changes on protein structure and function yielded predictions that this variant is benign. Based on the available information, we are unable to determine the clinical significance of this variant.

All of Us Research Program, National Institutes of Health
Classification: Uncertain significance for Breast-ovarian cancer, familial, susceptibility to, 2. Last evaluated: 2023-10-23. Review status: criteria provided, single submitter. Criteria: ACMG Guidelines, 2015. Collection method: clinical testing. Allele origin: germline. Inheritance: Autosomal dominant inheritance. Observed: 1 variant allele, 1 heterozygote.
Comment: This missense variant replaces cysteine with tyrosine at codon 341 of the BRCA2 protein. Computational prediction suggests that this variant may not impact protein structure and function (internally defined REVEL score threshold <= 0.5, PMID: 27666373). To our knowledge, functional studies have not been reported for this variant. This variant has been reported in an individual with a personal or family history of breast and/or ovarian cancer (PMID: 24010542). This variant has not been identified in the general population by the Genome Aggregation Database (gnomAD). The available evidence is insufficient to determine the role of this variant in disease conclusively. Therefore, this variant is classified as a Variant of Uncertain Significance.

This study involves interpretation of variants in research participants for the purpose of population health screening. Participant phenotype was not available at the time of variant classification. Additional details can be found in publication PMID: 35346344, PMCID: PMC8962531

GeneDx
Classification: Uncertain significance. Last evaluated: 2023-10-02. Review status: criteria provided, single submitter. Criteria: GeneDx Variant Classification Process June 2021. Collection method: clinical testing. Allele origin: germline. Affected: yes.
Comment: Observed in an individual with familial breast/ovarian cancer (Konstantopoulou et al., 2014); In silico analysis supports that this missense variant does not alter protein structure/function; Not observed at significant frequency in large population cohorts (gnomAD); Also known as 1250G>A; This variant is associated with the following publications: (PMID: 24010542, 29884841, 32377563)

University of Washington Department of Laboratory Medicine, University of Washington
Classification: Likely benign for Hereditary cancer-predisposing syndrome. Last evaluated: 2023-03-23. Review status: criteria provided, single submitter. Criteria: Dines et al. (Genet Med. 2020). Collection method: curation. Allele origin: germline.
Comment: Missense variant in a coldspot region where missense variants are very unlikely to be pathogenic (PMID:31911673).

BRCA2 exon 10 coldspot. Reclassification based on statistical prior probability.

Literature cited by the submitters: PubMed 24010542 (cited by 4 submitters); PubMed 31911673 (cited by Quest Diagnostics Nichols Institute San Juan Capistrano).

NM_000059.4(BRCA2):c.1022G>A (p.Cys341Tyr)

Gene: BRCA2 (BRCA2 DNA repair associated; plus strand). Cytogenetic location: 13q13.1.
Variant type: single nucleotide variant.
Coding change: c.1022G>A on transcript NM_000059.4 (MANE Select); coding-DNA position 1022, G replaced by A.
Protein change: p.Cys341Tyr; replaces cysteine 341 with tyrosine.
Molecular consequence: missense variant.
Genome position (GRCh38, 1-based): chr13:32,332,500, G>A. VCF-style: chr13-32332500-G-A. GRCh37 (hg19) VCF-style: chr13-32906637-G-A.
Other names: short protein forms C341Y.
Identifiers: ClinVar variation 483059 (VCV000483059.20), dbSNP rs80358403, ClinGen allele CA387761127.